The following is an entry in ClinVar:

NM_032608.7(MYO18B):c.6470+6A>G

Gene: MYO18B (myosin XVIIIB; plus strand). Cytogenetic location: 22q12.1.
Variant type: single nucleotide variant.
Coding change: c.6470+6A>G on transcript NM_032608.7 (MANE Select); 6 bases into the intron after coding-DNA position 6470, A replaced by G.
Molecular consequence: intron variant.
Genome position (GRCh38, 1-based): chr22:26,004,861, A>G. VCF-style: chr22-26004861-A-G. GRCh37 (hg19) VCF-style: chr22-26400827-A-G.
Other names: c.6473+6A>G (NM_001318245.2).
Identifiers: ClinVar variation 2846703 (VCV002846703.3), dbSNP rs2518324309, ClinGen allele CA2655882052.

ClinVar aggregate classification (germline): Uncertain significance (1 of 4 stars; one submission).

Allele frequency attached by ClinVar (database versions not stated): gnomAD exomes below 0.00001.
gnomAD v4.1: 1 of 1,613,380 alleles (0.000062%); highest among the groups gnomAD compares: African/African-American, 0.0013%; no homozygotes.

Submission:

Labcorp Genetics (formerly Invitae), Labcorp
Classification: Uncertain significance. Last evaluated: 2023-03-17. Review status: criteria provided, single submitter. Criteria: Invitae Variant Classification Sherloc (09022015). Collection method: clinical testing. Allele origin: germline.
Comment: In summary, the available evidence is currently insufficient to determine the role of this variant in disease. Therefore, it has been classified as a Variant of Uncertain Significance. Variants that disrupt the consensus splice site are a relatively common cause of aberrant splicing (PMID: 17576681, 9536098). Algorithms developed to predict the effect of sequence changes on RNA splicing suggest that this variant is not likely to affect RNA splicing. This variant has not been reported in the literature in individuals affected with MYO18B-related conditions. This variant is not present in population databases (gnomAD no frequency). This sequence change falls in intron 42 of the MYO18B gene. It does not directly change the encoded amino acid sequence of the MYO18B protein. It affects a nucleotide within the consensus splice site.

Literature cited by the submitters: PubMed 17576681; PubMed 9536098.